The following is an entry in ClinVar:

NM_020964.3(EPG5):c.6955G>A (p.Val2319Ile)

Gene: EPG5 (ectopic P-granules 5 autophagy tethering factor; minus strand). Cytogenetic location: 18q12.3.
Variant type: single nucleotide variant.
Coding change: c.6955G>A on transcript NM_020964.3 (MANE Select); coding-DNA position 6955, G replaced by A.
Protein change: p.Val2319Ile; replaces valine 2319 with isoleucine.
Molecular consequence: missense variant.
Genome position (GRCh38, 1-based): chr18:45,860,158, C>T on the plus strand (G>A on the coding strand, the complement: EPG5 is on the minus strand). VCF-style: chr18-45860158-C-T. GRCh37 (hg19) VCF-style: chr18-43440123-C-T.
Other names: short protein forms V2319I.
Identifiers: ClinVar variation 1444523 (VCV001444523.6), dbSNP rs199635841, ClinGen allele CA8948114.

ClinVar aggregate classification (germline): Uncertain significance (1 of 4 stars; one submission).

Conditions:
Vici syndrome (VICIS). Identifiers: Orphanet 1493, MedGen C1855772, MONDO:0009452, OMIM 242840.

Allele frequency attached by ClinVar (database versions not stated): gnomAD 0.00001 and 0.00002; TOPMed 0.00001; gnomAD exomes 0.00003; ExAC 0.00005; 1000 Genomes Project 30x 0.00016; 1000 Genomes Project 0.00020.
gnomAD v4.1: 35 of 1,614,154 alleles (0.0022%); highest among the groups gnomAD compares: African/African-American, 0.0053%; no homozygotes.

Submission:

Labcorp Genetics (formerly Invitae), Labcorp
Classification: Uncertain significance for Vici syndrome. Last evaluated: 2022-08-31. Review status: criteria provided, single submitter. Criteria: Invitae Variant Classification Sherloc (09022015). Collection method: clinical testing. Allele origin: germline.
Comment: This sequence change replaces valine, which is neutral and non-polar, with isoleucine, which is neutral and non-polar, at codon 2319 of the EPG5 protein (p.Val2319Ile). This variant is present in population databases (rs199635841, gnomAD 0.02%). This variant has not been reported in the literature in individuals affected with EPG5-related conditions. ClinVar contains an entry for this variant (Variation ID: 1444523). Algorithms developed to predict the effect of missense changes on protein structure and function are either unavailable or do not agree on the potential impact of this missense change (SIFT: "Tolerated"; PolyPhen-2: "Possibly Damaging"; Align-GVGD: "Class C0"). In summary, the available evidence is currently insufficient to determine the role of this variant in disease. Therefore, it has been classified as a Variant of Uncertain Significance.